The following is an entry in ClinVar:

NM_130837.3(OPA1):c.2502G>T (p.Lys834Asn)

Gene: OPA1 (OPA1 mitochondrial dynamin like GTPase; plus strand). Cytogenetic location: 3q29.
Variant type: single nucleotide variant.
Coding change: c.2502G>T on transcript NM_130837.3 (MANE Select); coding-DNA position 2502, G replaced by T.
Protein change: p.Lys834Asn; replaces lysine 834 with asparagine.
Molecular consequence: missense variant.
Genome position (GRCh38, 1-based): chr3:193,659,543, G>T. VCF-style: chr3-193659543-G-T. GRCh37 (hg19) VCF-style: chr3-193377332-G-T.
Other names: c.1968G>T, p.Lys656Asn (NM_001354663.2); c.1965G>T, p.Lys655Asn (NM_001354664.2); c.2337G>T, p.Lys779Asn (NM_015560.3); c.2229G>T, p.Lys743Asn (NM_130831.3); c.2283G>T, p.Lys761Asn (NM_130832.3); c.2340G>T, p.Lys780Asn (NM_130833.3); c.2391G>T, p.Lys797Asn (NM_130834.3); c.2394G>T, p.Lys798Asn (NM_130835.3); and 1 more; short protein forms K655N, K656N, K743N, K761N, K779N, K780N, K797N, K798N.
Identifiers: ClinVar variation 1320651 (VCV001320651.4), dbSNP rs2109193504, ClinGen allele CA355792944.

ClinVar aggregate classification (germline): Uncertain significance. Review status: criteria provided, multiple submitters, no conflicts (2 of 4 stars). 2 submissions from 2 submitters: Uncertain significance (2). Last evaluated 2024-04-15.

Submissions (2):

Labcorp Genetics (formerly Invitae), Labcorp
Classification: Uncertain significance. Last evaluated: 2024-04-15. Review status: criteria provided, single submitter. Criteria: Invitae Variant Classification Sherloc (09022015). Collection method: clinical testing. Allele origin: germline.
Comment: This sequence change replaces lysine, which is basic and polar, with asparagine, which is neutral and polar, at codon 779 of the OPA1 protein (p.Lys779Asn). This variant is not present in population databases (gnomAD no frequency). This variant has not been reported in the literature in individuals affected with OPA1-related conditions. ClinVar contains an entry for this variant (Variation ID: 1320651). Advanced modeling of protein sequence and biophysical properties (such as structural, functional, and spatial information, amino acid conservation, physicochemical variation, residue mobility, and thermodynamic stability) performed at Invitae indicates that this missense variant is not expected to disrupt OPA1 protein function with a negative predictive value of 80%. In summary, the available evidence is currently insufficient to determine the role of this variant in disease. Therefore, it has been classified as a Variant of Uncertain Significance.

GeneDx
Classification: Uncertain significance. Last evaluated: 2021-05-07. Review status: criteria provided, single submitter. Criteria: GeneDx Variant Classification Process June 2021. Collection method: clinical testing. Allele origin: germline. Affected: yes.
Comment: Not observed in large population cohorts (Lek et al., 2016); In silico analysis supports that this missense variant has a deleterious effect on protein structure/function; Has not been previously published as pathogenic or benign to our knowledge